The following is an entry in ClinVar:

NM_013275.6(ANKRD11):c.2944G>T (p.Glu982Ter)

Gene: ANKRD11 (ankyrin repeat domain containing 11; minus strand). Cytogenetic location: 16q24.3.
Variant type: single nucleotide variant.
Coding change: c.2944G>T on transcript NM_013275.6 (MANE Select); coding-DNA position 2944, G replaced by T.
Protein change: p.Glu982Ter; replaces glutamic acid 982 with a stop codon.
Molecular consequence: nonsense.
Genome position (GRCh38, 1-based): chr16:89,283,598, C>A on the plus strand (G>T on the coding strand, the complement: ANKRD11 is on the minus strand). VCF-style: chr16-89283598-C-A. GRCh37 (hg19) VCF-style: chr16-89350006-C-A.
Other names: c.2944G>T, p.Glu982Ter (NM_001256182.2, NM_001256183.2); short protein forms E982*.
Identifiers: ClinVar variation 817545 (VCV000817545.1), dbSNP rs779463117, ClinGen allele CA397160944.

ClinVar aggregate classification (germline): Pathogenic (1 of 4 stars; one submission).

Submission:

GeneDx
Classification: Pathogenic. Last evaluated: 2019-03-08. Review status: criteria provided, single submitter. Criteria: GeneDx Variant Classification (06012015). Collection method: clinical testing. Allele origin: germline. Affected: yes.
Comment: The E982X nonsense variant in the ANKRD11 gene is predicted to cause loss of normal protein function either through protein truncation or nonsense-mediated mRNA decay. The E982X variant is not observed in large population cohorts (Lek et al., 2016).